The following is an entry in ClinVar:

ClinVar aggregate classification (germline): Likely benign (1 of 4 stars; one submission).

gnomAD v4.1: 17 of 1,614,000 alleles (0.0011%); highest among the groups gnomAD compares: Non-Finnish European, 0.0014%; no homozygotes.

Submission:

CeGaT Center for Human Genetics Tuebingen
Classification: Likely benign. Last evaluated: 2025-10-01. Review status: criteria provided, single submitter. Criteria: CeGaT Center For Human Genetics Tuebingen Variant Classification Criteria Version 2. Collection method: clinical testing. Allele origin: germline. Affected: yes. Observed: 1 variant allele.
Comment: RNF123: BP4, BP7

NM_022064.5(RNF123):c.3801G>A (p.Gln1267=)

Genes: GMPPB (GDP-mannose pyrophosphorylase B; minus strand), RNF123 (ring finger protein 123; plus strand). Cytogenetic location: 3p21.31.
Variant type: single nucleotide variant.
Coding change: c.3801G>A on transcript NM_022064.5 (MANE Select); coding-DNA position 3801, G replaced by A.
Protein change: p.Gln1267=; no amino-acid change (glutamine 1267 retained).
Molecular consequence: synonymous variant. On other transcripts: 3 prime UTR variant (1), non-coding transcript variant (1).
Genome position (GRCh38, 1-based): chr3:49,721,082, G>A. VCF-style: chr3-49721082-G-A. GRCh37 (hg19) VCF-style: chr3-49758515-G-A.
Other names: c.*670C>T (NM_021971.4).
Identifiers: ClinVar variation 4535063 (VCV004535063.6).